The following is an entry in ClinVar:

ClinVar aggregate classification (germline): Benign. Review status: criteria provided, single submitter (1 of 4 stars). 2 submissions from 2 submitters: Benign (1). 1 of the submissions does not count toward it. Last evaluated 2022-12-01.

Conditions:
CIC-related disorder. Also called: CIC-related condition.

Allele frequency attached by ClinVar (database versions not stated): TOPMed 0.00002; gnomAD 0.00012; gnomAD exomes 0.00025; 1000 Genomes Project 30x 0.00047; ExAC 0.00056; 1000 Genomes Project 0.00060.

Submissions (2):

CeGaT Center for Human Genetics Tuebingen
Classification: Benign. Last evaluated: 2022-12-01. Review status: criteria provided, single submitter. Criteria: CeGaT Center For Human Genetics Tuebingen Variant Classification Criteria Version 2. Collection method: clinical testing. Allele origin: germline. Affected: yes. Observed: 1 variant allele.
Comment: CIC: BP4, BS1, BS2

PreventionGenetics, part of Exact Sciences
Classification: Likely benign for CIC-related condition. Last evaluated: 2020-02-26. Review status: no assertion criteria provided. Collection method: clinical testing. Allele origin: germline. Not counted in ClinVar's aggregate classification.
Comment: This variant is classified as likely benign based on ACMG/AMP sequence variant interpretation guidelines (Richards et al. 2015 PMID: 25741868, with internal and published modifications).

NM_001386298.1(CIC):c.4394C>A (p.Thr1465Asn)

Gene: CIC (capicua transcriptional repressor; plus strand). Cytogenetic location: 19q13.2.
Variant type: single nucleotide variant.
Coding change: c.4394C>A on transcript NM_001386298.1 (MANE Select); coding-DNA position 4394, C replaced by A.
Protein change: p.Thr1465Asn; replaces threonine 1465 with asparagine.
Molecular consequence: missense variant.
Genome position (GRCh38, 1-based): chr19:42,290,435, C>A. VCF-style: chr19-42290435-C-A. GRCh37 (hg19) VCF-style: chr19-42794587-C-A.
Other names: c.4394C>A, p.Thr1465Asn (NM_001304815.2, NM_001379480.1, NM_001379482.1 and 1 more transcripts); c.1667C>A, p.Thr556Asn (NM_001379484.1, NM_001379485.1, NM_015125.5); short protein forms T1465N, T556N.
Identifiers: ClinVar variation 2649993 (VCV002649993.25), dbSNP rs559692476, ClinGen allele CA9472075.